The following is an entry in ClinVar:

ClinVar aggregate classification (germline): Pathogenic (1 of 4 stars; one submission).

Conditions:
Familial intrahepatic cholestasis. Identifiers: Orphanet 284385, MedGen CN296401, MONDO:0017290.

Submission:

Genomenon, Inc
Classification: Pathogenic for Familial intrahepatic cholestasis. Last evaluated: 2026-04-14. Review status: criteria provided, single submitter. Criteria: Genomenon Sequence Variant Interpretation Standards - Updated. Collection method: curation. Allele origin: germline. Affected: yes.
Comment: ABCB4 p.Phe982TrpfsTer3 (c.2943_2952del) is a frameshift variant that results in the production of a truncated protein which is predicted to undergo nonsense-mediated mRNA decay. This variant has been observed in at least one proband with an ABCB4-related disorder (PMID:11313315). It is absent or not present at a significant frequency in gnomAD. In conclusion, we classify ABCB4 p.Phe982TrpfsTer3 (c.2943_2952del) as a pathogenic variant.

Literature cited by the submitters: PubMed 11313315.

NM_000443.4(ABCB4):c.2943_2952del (p.Phe982fs)

Gene: ABCB4 (ATP binding cassette subfamily B member 4; minus strand). Cytogenetic location: 7q21.12.
Variant type: Deletion.
Coding change: c.2943_2952del on transcript NM_000443.4 (MANE Select); coding-DNA positions 2943 to 2952, 10 bases deleted (ATTTGGTGCA; older notation c.2943_2952delATTTGGTGCA).
Protein change: p.Phe982fs; shifts the reading frame from phenylalanine 982.
Molecular consequence: frameshift variant.
Genome position (GRCh38, 1-based): chr7:87,409,365-87,409,374, TGCACCAAAT deleted on the plus strand (ATTTGGTGCA on the coding strand, the reverse complement: ABCB4 is on the minus strand). VCF-style (leftmost placement, unchanged base first): chr7-87409364-CTGCACCAAAT-C. GRCh37 (hg19) VCF-style: chr7-87038680-CTGCACCAAAT-C.
Other names: c.2943_2952del, p.Phe982fs (NM_018849.3); c.2802_2811del, p.Phe935fs (NM_018850.3); short protein forms F935fs, F982fs.
Identifiers: ClinVar variation 4846454 (VCV004846454.1).
Genomic context (GRCh38, chr7:87,409,364, plus strand): 5'-CTGCAGACAGCTTAGCTTTAGCATAGTCTGGAGCAAATGAACTGGCATGTCCTAGAGCCA[CTGCACCAAAT>C]ACAATTGCAGAAAACACCCTAGACAGAAGTAGAGGAATTCAAAAATTAGCTTTTATAATT-3'